The following is an entry in ClinVar:

NM_020922.5(WNK3):c.371A>G (p.Lys124Arg)

Gene: WNK3 (WNK lysine deficient protein kinase 3; minus strand). Cytogenetic location: Xp11.22.
Variant type: single nucleotide variant.
Coding change: c.371A>G on transcript NM_020922.5 (MANE Select); coding-DNA position 371, A replaced by G.
Protein change: p.Lys124Arg; replaces lysine 124 with arginine.
Molecular consequence: missense variant.
Genome position (GRCh38, 1-based): chrX:54,333,303, T>C on the plus strand (A>G on the coding strand, the complement: WNK3 is on the minus strand). VCF-style: chrX-54333303-T-C. GRCh37 (hg19) VCF-style: chrX-54359736-T-C.
Other names: c.371A>G, p.Lys124Arg (NM_001002838.4, NM_001395166.1); short protein forms K124R.
Identifiers: ClinVar variation 3372227 (VCV003372227.1).

ClinVar aggregate classification (germline): Uncertain significance (1 of 4 stars; one submission).

gnomAD v4.1: 1 of 1,209,900 alleles (0.000083%); highest among the groups gnomAD compares: African/African-American, 0.0017%; no homozygotes.

Submission:

GeneDx
Classification: Uncertain significance. Last evaluated: 2024-04-16. Review status: criteria provided, single submitter. Criteria: GeneDx Variant Classification Process June 2021. Collection method: clinical testing. Allele origin: germline. Affected: yes.
Comment: Not observed at significant frequency in large population cohorts (gnomAD); In silico analysis indicates that this missense variant does not alter protein structure/function; Has not been previously published as pathogenic or benign to our knowledge